The following is an entry in ClinVar:

ClinVar aggregate classification (germline): Uncertain significance (1 of 4 stars; one submission).

Conditions:
Adams-Oliver syndrome 5 (AOS5). Identifiers: Orphanet 974, MedGen C4014970, MONDO:0014459, OMIM 616028.

Submission:

Labcorp Genetics (formerly Invitae), Labcorp
Classification: Uncertain significance for Adams-Oliver syndrome 5. Last evaluated: 2025-02-20. Review status: criteria provided, single submitter. Criteria: Invitae Variant Classification Sherloc (09022015). Collection method: clinical testing. Allele origin: germline.
Comment: This sequence change replaces leucine, which is neutral and non-polar, with glutamine, which is neutral and polar, at codon 1999 of the NOTCH1 protein (p.Leu1999Gln). This variant is not present in population databases (gnomAD no frequency). This variant has not been reported in the literature in individuals affected with NOTCH1-related conditions. Invitae Evidence Modeling of protein sequence and biophysical properties (such as structural, functional, and spatial information, amino acid conservation, physicochemical variation, residue mobility, and thermodynamic stability) has been performed for this missense variant. However, the output from this modeling did not meet the statistical confidence thresholds required to predict the impact of this variant on NOTCH1 protein function. In summary, the available evidence is currently insufficient to determine the role of this variant in disease. Therefore, it has been classified as a Variant of Uncertain Significance.

NM_017617.5(NOTCH1):c.5996T>A (p.Leu1999Gln)

Genes: NOTCH1 (notch receptor 1; minus strand), LOC126860794 (BRD4-independent group 4 enhancer GRCh37_chr9:139392592-139393791; plus strand). Cytogenetic location: 9q34.3.
Variant type: single nucleotide variant.
Coding change: c.5996T>A on transcript NM_017617.5 (MANE Select); coding-DNA position 5996, T replaced by A.
Protein change: p.Leu1999Gln; replaces leucine 1999 with glutamine.
Molecular consequence: missense variant.
Genome position (GRCh38, 1-based): chr9:136,499,198, A>T on the plus strand (T>A on the coding strand, the complement: NOTCH1 is on the minus strand). VCF-style: chr9-136499198-A-T. GRCh37 (hg19) VCF-style: chr9-139393650-A-T.
Other names: short protein forms L1999Q.
Identifiers: ClinVar variation 4745591 (VCV004745591.1).